The following is an entry in ClinVar:

NM_013266.4(CTNNA3):c.34G>A (p.Asp12Asn)

Gene: CTNNA3 (catenin alpha 3; minus strand). Cytogenetic location: 10q21.3.
Variant type: single nucleotide variant.
Coding change: c.34G>A on transcript NM_013266.4 (MANE Select); coding-DNA position 34, G replaced by A.
Protein change: p.Asp12Asn; replaces aspartic acid 12 with asparagine.
Molecular consequence: missense variant.
Genome position (GRCh38, 1-based): chr10:67,647,480, C>T on the plus strand (G>A on the coding strand, the complement: CTNNA3 is on the minus strand). VCF-style: chr10-67647480-C-T. GRCh37 (hg19) VCF-style: chr10-69407238-C-T.
Other names: c.34G>A, p.Asp12Asn (NM_001127384.3); c.70G>A, p.Asp24Asn (NM_001291133.2); short protein forms D24N, D12N.
Identifiers: ClinVar variation 1511170 (VCV001511170.8), dbSNP rs1839752364, ClinGen allele CA377100273.

ClinVar aggregate classification (germline): Uncertain significance (1 of 4 stars; one submission).

Conditions:
Arrhythmogenic right ventricular dysplasia 13. Also called: ARRHYTHMOGENIC RIGHT VENTRICULAR CARDIOMYOPATHY 13; Arrhythmogenic right ventricular dysplasia, familial, 13. Identifiers: MedGen C3810138, MONDO:0000908, OMIM 615616.

Allele frequency attached by ClinVar (database versions not stated): TOPMed 0.00001.
gnomAD v4.1: 1 of 1,613,258 alleles (0.000062%); highest among the groups gnomAD compares: Non-Finnish European, 0.000085%; no homozygotes.

Submission:

Labcorp Genetics (formerly Invitae), Labcorp
Classification: Uncertain significance for Arrhythmogenic right ventricular dysplasia 13. Last evaluated: 2021-05-13. Review status: criteria provided, single submitter. Criteria: Invitae Variant Classification Sherloc (09022015). Collection method: clinical testing. Allele origin: germline.
Comment: In summary, the available evidence is currently insufficient to determine the role of this variant in disease. Therefore, it has been classified as a Variant of Uncertain Significance. Algorithms developed to predict the effect of missense changes on protein structure and function output the following: SIFT: "Deleterious"; PolyPhen-2: "Benign"; Align-GVGD: "Class C0". The asparagine amino acid residue is found in multiple mammalian species, suggesting that this missense change does not adversely affect protein function. These predictions have not been confirmed by published functional studies and their clinical significance is uncertain. This variant has not been reported in the literature in individuals with CTNNA3-related conditions. This variant is not present in population databases (ExAC no frequency). This sequence change replaces aspartic acid with asparagine at codon 12 of the CTNNA3 protein (p.Asp12Asn). The aspartic acid residue is moderately conserved and there is a small physicochemical difference between aspartic acid and asparagine.